The following is an entry in ClinVar:

NM_007194.4(CHEK2):c.1111_1127dup (p.Glu377fs)

Gene: CHEK2 (checkpoint kinase 2; minus strand). Cytogenetic location: 22q12.1.
Variant type: Duplication.
Coding change: c.1111_1127dup on transcript NM_007194.4 (MANE Select); coding-DNA positions 1111 to 1127, 17 bases duplicated (CACTCCAAGATTTTGGG).
Protein change: p.Glu377fs; shifts the reading frame from glutamic acid 377.
Molecular consequence: frameshift variant.
Genome position (GRCh38, 1-based): chr22:28,695,842-28,695,858, CCCAAAATCTTGGAGTG duplicated on the plus strand (CACTCCAAGATTTTGGG on the coding strand, the reverse complement: CHEK2 is on the minus strand); duplicating any 17 consecutive bases within chr22:28,695,842-28,695,867 gives the same sequence; the c. name uses the placement nearest the transcript's 3' end. VCF-style (leftmost placement, unchanged base first): chr22-28695841-T-TCCCAAAATCTTGGAGTG. GRCh37 (hg19) VCF-style: chr22-29091829-T-TCCCAAAATCTTGGAGTG.
Other names: c.1111_1127dupCACTCCAAGATTTTGGG (NM_007194.3); c.1231_1247dup, p.Glu420Thrfs (NM_001005735.3); c.439_455dup, p.Glu156Thrfs (NM_001257387.3); c.901_917dup, p.Glu310Thrfs (NM_001349956.3); c.1015_1031dup, p.Glu348Thrfs (NM_145862.3); short protein forms E156fs, E348fs, E377fs, E420fs, E310fs.
Identifiers: ClinVar variation 920804 (VCV000920804.37), dbSNP rs2052563898, ClinGen allele CA913189029.
Genomic context (GRCh38, chr22:28,695,841, plus strand): 5'-AAGAACTTCAGGCGCCAAGTAGGTGGGGGTTCCACATAAGGTTCTCATGAGAGAGGTCTC[T>TCCCAAAATCTTGGAGTG]CCCAAAATCTTGGAGTGCCCAAAATCAGTAATCTAAAATTCAGTACAAAAGGGAATAATG-3'

ClinVar aggregate classification (germline): Pathogenic/Likely pathogenic. Review status: criteria provided, multiple submitters, no conflicts (2 of 4 stars). 8 submissions from 8 submitters: Pathogenic (7); Likely pathogenic (1). Last evaluated 2025-09-29.

Conditions:
Familial cancer of breast. Also called: hereditary breast carcinoma; Hereditary breast cancer; BREAST CANCER, FAMILIAL. Identifiers: Orphanet 227535, MedGen C0346153, MONDO:0016419, OMIM 114480. Disease mechanism: loss of function.
Hereditary cancer-predisposing syndrome. Also called: Neoplastic Syndromes, Hereditary; Tumor predisposition; Hereditary neoplastic syndrome; Hereditary Cancer Syndrome. Identifiers: Orphanet 140162, MedGen C0027672, MeSH D009386, MONDO:0015356.

Submissions (8):

Ambry Genetics
Classification: Pathogenic for Hereditary cancer-predisposing syndrome. Last evaluated: 2025-09-29. Review status: criteria provided, single submitter. Criteria: Ambry Variant Classification Scheme 2023. Collection method: clinical testing. Allele origin: germline.
Comment: The c.1111_1127dup17 variant, located in coding exon 10 of the CHEK2 gene, results from a duplication of CACTCCAAGATTTTGGG at nucleotide position 1111, causing a translational frameshift with a predicted alternate stop codon (p.E377Tfs*11). This variant is considered to be rare based on population cohorts in the Genome Aggregation Database (gnomAD). This alteration is expected to result in loss of function by premature protein truncation or nonsense-mediated mRNA decay. As such, this alteration is interpreted as a disease-causing mutation.

Dasa
Classification: Pathogenic. Last evaluated: 2025-09-07. Review status: criteria provided, single submitter. Criteria: DASA Assertion Criteria. Collection method: clinical testing. Allele origin: germline.
Comment: NM_007194.4(CHEK2):c.1111_1127dup (p.Glu377Thrfs*11) is a frameshift variant in CHEK2 predicted to alter the reading frame and introduce a premature termination codon and is predicted to result in an absent or altered protein product. Loss of function is an established disease mechanism for CHEK2 (PMID: 15122511; PMID: 16897426; PMID: 18381420). This variant has been reported in individuals with CHEK2-related disorders. Also, this variant is rare in population databases. Based on the currently available evidence, this variant is classified as pathogenic.

CeGaT Center for Human Genetics Tuebingen
Classification: Pathogenic. Last evaluated: 2024-03-01. Review status: criteria provided, single submitter. Criteria: CeGaT Center For Human Genetics Tuebingen Variant Classification Criteria Version 2. Collection method: clinical testing. Allele origin: germline. Affected: yes. Observed: 1 variant allele.
Comment: CHEK2: PVS1, PM2

Labcorp Genetics (formerly Invitae), Labcorp
Classification: Pathogenic for Familial cancer of breast. Last evaluated: 2024-01-05. Review status: criteria provided, single submitter. Criteria: Invitae Variant Classification Sherloc (09022015). Collection method: clinical testing. Allele origin: germline.
Comment: This sequence change creates a premature translational stop signal (p.Glu377Thrfs*11) in the CHEK2 gene. It is expected to result in an absent or disrupted protein product. Loss-of-function variants in CHEK2 are known to be pathogenic (PMID: 21876083, 24713400). This variant is not present in population databases (gnomAD no frequency). This variant has not been reported in the literature in individuals affected with CHEK2-related conditions. ClinVar contains an entry for this variant (Variation ID: 920804). For these reasons, this variant has been classified as Pathogenic.

Myriad Genetics, Inc.
Classification: Pathogenic for Familial cancer of breast. Last evaluated: 2023-06-28. Review status: criteria provided, single submitter. Criteria: Myriad Autosomal Dominant, Autosomal Recessive and X-Linked Classification Criteria (2023). Collection method: clinical testing. Allele origin: unknown.
Comment: This variant is considered pathogenic. This variant creates a frameshift predicted to result in premature protein truncation.

Baylor Genetics
Classification: Likely pathogenic for Familial cancer of breast. Last evaluated: 2023-03-30. Review status: criteria provided, single submitter. Criteria: ACMG Guidelines, 2015. Collection method: clinical testing. Allele origin: unknown.

Mendelics
Classification: Pathogenic for Familial cancer of breast. Last evaluated: 2022-05-04. Review status: criteria provided, single submitter. Criteria: Mendelics Assertion Criteria 2019. Collection method: clinical testing. Allele origin: germline.

Color Diagnostics, LLC DBA Color Health
Classification: Pathogenic for Hereditary cancer-predisposing syndrome. Last evaluated: 2020-01-15. Review status: criteria provided, single submitter. Criteria: ACMG Guidelines, 2015. Collection method: clinical testing. Allele origin: germline.
Comment: This variant inserts 17 nucleotides in exon 11 of the CHEK2 gene, creating a frameshift and premature translation stop signal. This variant is expected to result in an absent or non-functional protein product. This variant has not been identified in the general population by the Genome Aggregation Database (gnomAD). Loss of CHEK2 function is a known mechanism of disease. Based on the available evidence, this variant is classified as Pathogenic.

Literature cited by the submitters: PubMed 15122511 (cited by Dasa); PubMed 16897426 (cited by Dasa); PubMed 18381420 (cited by Dasa); PubMed 21876083 (cited by Labcorp Genetics (formerly Invitae), Labcorp); PubMed 24713400 (cited by Labcorp Genetics (formerly Invitae), Labcorp).